The following is an entry in ClinVar:

ClinVar aggregate classification (germline): Likely benign. Review status: criteria provided, multiple submitters, no conflicts (2 of 4 stars). 2 submissions from 2 submitters: Likely benign (2). Last evaluated 2025-05-12.

Conditions:
NOTCH2-related disorder. Also called: NOTCH2-related condition.
Hajdu-Cheney syndrome (HJCYS). Also called: Acroosteolysis dominant type; SERPENTINE FIBULA-POLYCYSTIC KIDNEY SYNDROME; ACROOSTEOLYSIS WITH OSTEOPOROSIS AND CHANGES IN SKULL AND MANDIBLE. Identifiers: Orphanet 955, MedGen C0917715, MONDO:0007057, OMIM 102500.

Allele frequency attached by ClinVar (database versions not stated): TOPMed below 0.00001.

Submissions (2):

PreventionGenetics, part of Exact Sciences
Classification: Likely benign for NOTCH2-related condition. Last evaluated: 2025-05-12. Review status: criteria provided, single submitter. Criteria: ACMG Guidelines, 2015. Collection method: clinical testing. Allele origin: germline.
Comment: This variant is classified as likely benign based on ACMG/AMP sequence variant interpretation guidelines (Richards et al. 2015 PMID: 25741868, with internal and published modifications).

Labcorp Genetics (formerly Invitae), Labcorp
Classification: Likely benign for Hajdu-Cheney syndrome. Last evaluated: 2022-12-27. Review status: criteria provided, single submitter. Criteria: Invitae Variant Classification Sherloc (09022015). Collection method: clinical testing. Allele origin: germline.

NM_024408.4(NOTCH2):c.7353T>A (p.Gly2451=)

Gene: NOTCH2 (notch receptor 2; minus strand). Cytogenetic location: 1p12.
Variant type: single nucleotide variant.
Coding change: c.7353T>A on transcript NM_024408.4 (MANE Select); coding-DNA position 7353, T replaced by A.
Protein change: p.Gly2451=; no amino-acid change (glycine 2451 retained).
Molecular consequence: synonymous variant.
Genome position (GRCh38, 1-based): chr1:119,915,369, A>T on the plus strand (T>A on the coding strand, the complement: NOTCH2 is on the minus strand). VCF-style: chr1-119915369-A-T. GRCh37 (hg19) VCF-style: chr1-120457992-A-T.
Other names: c.7353T>A (NM_024408.3).
Identifiers: ClinVar variation 2894175 (VCV002894175.4), dbSNP rs1173768056, ClinGen allele CA420033114.